The following is an entry in ClinVar:

NM_001378454.1(ALMS1):c.7624del (p.Glu2542fs)

Gene: ALMS1 (ALMS1 centrosome and basal body associated protein; plus strand). Cytogenetic location: 2p13.1.
Variant type: Deletion.
Coding change: c.7624del on transcript NM_001378454.1 (MANE Select); coding-DNA position 7624, one base deleted (G; older notation c.7624delG).
Protein change: p.Glu2542fs; shifts the reading frame from glutamic acid 2542.
Molecular consequence: frameshift variant.
Genome position (GRCh38, 1-based): chr2:73,455,245, G deleted. VCF-style (leftmost placement, unchanged base first): chr2-73455244-AG-A. GRCh37 (hg19) VCF-style: chr2-73682371-AG-A.
Other names: c.7627del, p.Glu2543fs (NM_015120.4); short protein forms E2542fs, E2543fs.
Identifiers: ClinVar variation 2720372 (VCV002720372.3), dbSNP rs2466115753, ClinGen allele CA2697548225.

ClinVar aggregate classification (germline): Pathogenic (1 of 4 stars; one submission).

Conditions:
Alstrom syndrome (ALMS). Identifiers: Orphanet 64, MedGen C0268425, MONDO:0008763, OMIM 203800.

Submission:

Labcorp Genetics (formerly Invitae), Labcorp
Classification: Pathogenic for Alstrom syndrome. Last evaluated: 2023-06-21. Review status: criteria provided, single submitter. Criteria: Invitae Variant Classification Sherloc (09022015). Collection method: clinical testing. Allele origin: germline.
Comment: For these reasons, this variant has been classified as Pathogenic. This sequence change creates a premature translational stop signal (p.Glu2543Argfs*49) in the ALMS1 gene. It is expected to result in an absent or disrupted protein product. Loss-of-function variants in ALMS1 are known to be pathogenic (PMID: 17594715). This variant is not present in population databases (gnomAD no frequency). This variant has not been reported in the literature in individuals affected with ALMS1-related conditions. Algorithms developed to predict the effect of sequence changes on RNA splicing suggest that this variant may disrupt the consensus splice site.

Literature cited by the submitters: PubMed 17594715.